The following is an entry in ClinVar:

ClinVar aggregate classification (germline): Pathogenic (1 of 4 stars; one submission).

Conditions:
Pheochromocytoma/paraganglioma syndrome 5. Also called: Paragangliomas 5; SDHA-Related Hereditary Paraganglioma-Pheochromocytoma Syndrome. Identifiers: Orphanet 29072, MedGen C3279992, MONDO:0013602, OMIM 614165.
Mitochondrial complex II deficiency, nuclear type 1. Also called: SUCCINATE CoQ REDUCTASE DEFICIENCY. Identifiers: Orphanet 3208, MedGen C5700310, MONDO:0100294, OMIM 252011.

Submission:

Labcorp Genetics (formerly Invitae), Labcorp
Classification: Pathogenic for Pheochromocytoma/paraganglioma syndrome 5; Mitochondrial complex II deficiency, nuclear type 1. Last evaluated: 2024-12-06. Review status: criteria provided, single submitter. Criteria: Invitae Variant Classification Sherloc (09022015). Collection method: clinical testing. Allele origin: germline.
Comment: This sequence change creates a premature translational stop signal (p.Lys480Valfs*16) in the SDHA gene. It is expected to result in an absent or disrupted protein product. Loss-of-function variants in SDHA are known to be pathogenic (PMID: 22974104, 24781757). This variant is not present in population databases (gnomAD no frequency). This variant has not been reported in the literature in individuals affected with SDHA-related conditions. ClinVar contains an entry for this variant (Variation ID: 2116744). For these reasons, this variant has been classified as Pathogenic.

Literature cited by the submitters: PubMed 22974104; PubMed 24781757.

NM_004168.4(SDHA):c.1437_1438insGT (p.Lys480fs)

Gene: SDHA (succinate dehydrogenase complex flavoprotein subunit A; plus strand). Cytogenetic location: 5p15.33.
Variant type: Insertion.
Coding change: c.1437_1438insGT on transcript NM_004168.4 (MANE Select); coding-DNA positions 1437 to 1438, GT inserted.
Protein change: p.Lys480fs; shifts the reading frame from lysine 480.
Molecular consequence: frameshift variant.
Genome position: GRCh38 VCF-style: chr5-240361-A-ATG. GRCh37 (hg19) VCF-style: chr5-240476-A-ATG.
Other names: c.1293_1294insGT, p.Lys432fs (NM_001294332.2); c.1437_1438insGT, p.Lys480fs (NM_001330758.2); short protein forms K432fs, K480fs.
Identifiers: ClinVar variation 2116744 (VCV002116744.4), dbSNP rs2477397322, ClinGen allele CA2580073088.